The following is an entry in ClinVar:

NM_007294.4(BRCA1):c.5425_5430del (p.Val1809_Val1810del)

Gene: BRCA1 (BRCA1 DNA repair associated; minus strand). Cytogenetic location: 17q21.31.
Variant type: Deletion.
Coding change: c.5425_5430del on transcript NM_007294.4 (MANE Select); coding-DNA positions 5425 to 5430, 6 bases deleted (GTTGTG; older notation c.5425_5430delGTTGTG).
Protein change: p.Val1809_Val1810del.
Molecular consequence: inframe deletion. On other transcripts: inframe indel (366), non-coding transcript variant (1).
Genome position (GRCh38, 1-based): chr17:43,047,680-43,047,685, CACAAC deleted on the plus strand (GTTGTG on the coding strand, the reverse complement: BRCA1 is on the minus strand); deleting any 6 consecutive bases within chr17:43,047,680-43,047,690 gives the same sequence; the c. name uses the placement nearest the transcript's 3' end. VCF-style (leftmost placement, unchanged base first): chr17-43047679-GCACAAC-G. GRCh37 (hg19) VCF-style: chr17-41199696-GCACAAC-G.
Other names: VV1809del; 5544del6; c.5425_5430delGTTGTG (NM_007294.3); c.5284_5289del, p.Val1762_Val1763del (NM_007297.4); c.2108_2113delTTGTGG, p.Val705_Val706del (NM_007298.4, NM_007304.2, NM_001407979.1 and 11 more transcripts); c.2039_2044del, p.Gly680_Cys681del (NM_007299.4); c.5488_5493del, p.Val1830_Val1831del (NM_007300.4); c.5297_5302delTTGTGG, p.Val1768_Val1769del (NM_001407668.1, NM_001407669.1, NM_001407664.1 and 3 more transcripts); and 89 more.
Identifiers: ClinVar variation 55574 (VCV000055574.15), dbSNP rs80358348, ClinGen allele CA003587.

ClinVar aggregate classification (germline): Uncertain significance. Review status: criteria provided, multiple submitters, no conflicts (2 of 4 stars). 5 submissions from 5 submitters: Uncertain significance (3). 2 of the submissions do not count toward it. Last evaluated 2019-02-14.

Conditions:
Hereditary cancer-predisposing syndrome. Also called: Hereditary Cancer Syndrome; Hereditary neoplastic syndrome; Neoplastic Syndromes, Hereditary; Tumor predisposition. Identifiers: Orphanet 140162, MedGen C0027672, MeSH D009386, MONDO:0015356.
Breast-ovarian cancer, familial, susceptibility to, 1 (BROVCA1). Also called: BRCA1 Hereditary Breast and Ovarian Cancer; OVARIAN CANCER, SUSCEPTIBILITY TO. Identifiers: Orphanet 145, MedGen C2676676, MONDO:0011450, OMIM 604370. Disease mechanism: loss of function.
Hereditary breast ovarian cancer syndrome. Also called: BRCA1- and BRCA2-Associated Hereditary Breast and Ovarian Cancer; Hereditary breast and ovarian cancer syndrome; Hereditary breast and ovarian cancer syndrome (HBOC); Breast and ovarian cancer; Hereditary breast and/or ovarian cancer syndrome; Hereditary breast and ovarian cancer. Identifiers: Orphanet 145, MedGen C0677776, MeSH D061325, MONDO:0003582. Disease mechanism: loss of function.

Submissions (5):

Ambry Genetics
Classification: Uncertain significance for Hereditary cancer-predisposing syndrome. Last evaluated: 2019-02-14. Review status: criteria provided, single submitter. Criteria: Ambry Variant Classification Scheme 2023. Collection method: clinical testing. Allele origin: germline.
Comment: The c.5425_5430delGTTGTG variant (also known as p.V1809_V1810del) is located in coding exon 21 of the BRCA1 gene. This variant results from an in-frame deletion of 6 nucleotides at positions 5425 to 5430. This results in the deletion of 2 amino acids between codons 1809 to 1810. This variant was identified in multiple breast cancer cohorts (Fernandes GC et al. Oncotarget, 2016 Dec;7:80465-80481; Sobol H et al. Cancer Res., 1996 Jul;56:3216-9; Eisinger F et al. Cancer Res., 1998 Apr;58:1588-92). These nucleotide positions are well conserved in available vertebrate species. Since supporting evidence is limited at this time, the clinical significance of this alteration remains unclear.

Mendelics
Classification: Uncertain significance for Hereditary breast and ovarian cancer syndrome. Last evaluated: 2018-07-02. Review status: criteria provided, single submitter. Criteria: Mendelics Assertion Criteria 2017. Collection method: clinical testing. Allele origin: unknown.

Labcorp Genetics (formerly Invitae), Labcorp
Classification: Uncertain significance for Hereditary breast ovarian cancer syndrome. Last evaluated: 2018-02-27. Review status: criteria provided, single submitter. Criteria: Invitae Variant Classification Sherloc (09022015). Collection method: clinical testing. Allele origin: germline.
Comment: In summary, the available evidence is currently insufficient to determine the role of this variant in disease. Therefore, it has been classified as a Variant of Uncertain Significance. Experimental studies and prediction algorithms are not available for this variant, and the functional significance of the deleted amino acids is currently unknown. This variant has been reported in individuals in the Breast Cancer Information Core database (PMID: 10923033). ClinVar contains an entry for this variant (Variation ID: 55574). This variant is not present in population databases (ExAC no frequency). This variant, c.5425_5430delGTTGTG, results in the deletion of 2 amino acids of the BRCA1 protein (p.Val1809_Val1810del), but otherwise preserves the integrity of the reading frame.

Sharing Clinical Reports Project (SCRP)
Classification: Uncertain significance for Breast-ovarian cancer, familial 1. Last evaluated: 2012-03-02. Review status: no assertion criteria provided. Collection method: clinical testing. Allele origin: germline. Not counted in ClinVar's aggregate classification.

Breast Cancer Information Core (BIC) (BRCA1)
Classification: Uncertain significance for Breast-ovarian cancer, familial 1. Last evaluated: 1999-04-06. Review status: no assertion criteria provided. Collection method: clinical testing. Allele origin: germline. Affected: yes. Observed: 3 variant alleles. Not counted in ClinVar's aggregate classification.

Literature cited by the submitters: PubMed 27741520 (cited by Ambry Genetics); PubMed 8764110 (cited by Ambry Genetics); PubMed 9563465 (cited by Ambry Genetics); PubMed 10923033 (cited by Labcorp Genetics (formerly Invitae), Labcorp).